The following is an entry in ClinVar:

ClinVar aggregate classification (germline): Uncertain significance (1 of 4 stars; one submission).

Conditions:
Neuroblastoma, susceptibility to, 3. Also called: ALK-Related Neuroblastic Tumor Susceptibility. Identifiers: Orphanet 635, MedGen C2751681, MONDO:0013083, OMIM 613014.

Allele frequency attached by ClinVar (database versions not stated): gnomAD exomes below 0.00001.
gnomAD v4.1: 2 of 1,614,168 alleles (0.00012%); highest among the groups gnomAD compares: East Asian, 0.0022%; no homozygotes.

Submission:

Labcorp Genetics (formerly Invitae), Labcorp
Classification: Uncertain significance for Neuroblastoma, susceptibility to, 3. Last evaluated: 2024-09-04. Review status: criteria provided, single submitter. Criteria: Invitae Variant Classification Sherloc (09022015). Collection method: clinical testing. Allele origin: germline.
Comment: This sequence change replaces arginine, which is basic and polar, with glycine, which is neutral and non-polar, at codon 606 of the ALK protein (p.Arg606Gly). This variant is not present in population databases (gnomAD no frequency). This variant has not been reported in the literature in individuals affected with ALK-related conditions. ClinVar contains an entry for this variant (Variation ID: 1393858). An algorithm developed to predict the effect of missense changes on protein structure and function (PolyPhen-2) suggests that this variant is likely to be disruptive. In summary, the available evidence is currently insufficient to determine the role of this variant in disease. Therefore, it has been classified as a Variant of Uncertain Significance.

NM_004304.5(ALK):c.1816A>G (p.Arg606Gly)

Gene: ALK (ALK receptor tyrosine kinase; minus strand). Cytogenetic location: 2p23.2.
Variant type: single nucleotide variant.
Coding change: c.1816A>G on transcript NM_004304.5 (MANE Select); coding-DNA position 1816, A replaced by G.
Protein change: p.Arg606Gly; replaces arginine 606 with glycine.
Molecular consequence: missense variant.
Genome position (GRCh38, 1-based): chr2:29,296,889, T>C on the plus strand (A>G on the coding strand, the complement: ALK is on the minus strand). VCF-style: chr2-29296889-T-C. GRCh37 (hg19) VCF-style: chr2-29519755-T-C.
Other names: short protein forms R606G.
Identifiers: ClinVar variation 1393858 (VCV001393858.6), dbSNP rs1666198944, ClinGen allele CA346465765.